The following is an entry in ClinVar:

ClinVar aggregate classification (germline): Uncertain significance. Review status: criteria provided, multiple submitters, no conflicts (2 of 4 stars). 2 submissions from 2 submitters: Uncertain significance (2). Last evaluated 2025-07-17.

Submissions (2):

GeneDx
Classification: Uncertain significance. Last evaluated: 2025-07-17. Review status: criteria provided, single submitter. Criteria: GeneDx Variant Classification Process June 2021. Collection method: clinical testing. Allele origin: germline. Affected: yes.
Comment: In silico analysis supports that this missense variant has a deleterious effect on protein structure/function; Has not been previously published as pathogenic or benign to our knowledge

Blueprint Genetics
Classification: Uncertain significance. Last evaluated: 2024-05-02. Review status: criteria provided, single submitter. Criteria: ACMG Guidelines, 2015. Collection method: clinical testing. Allele origin: germline.

NM_015404.4(WHRN):c.883C>T (p.Arg295Cys)

Gene: WHRN (whirlin; minus strand). Cytogenetic location: 9q32.
Variant type: single nucleotide variant.
Coding change: c.883C>T on transcript NM_015404.4 (MANE Select); coding-DNA position 883, C replaced by T.
Protein change: p.Arg295Cys; replaces arginine 295 with cysteine.
Molecular consequence: missense variant. On other transcripts: 5 prime UTR variant (1).
Genome position (GRCh38, 1-based): chr9:114,466,347, G>A on the plus strand (C>T on the coding strand, the complement: WHRN is on the minus strand). VCF-style: chr9-114466347-G-A. GRCh37 (hg19) VCF-style: chr9-117228627-G-A.
Other names: c.-267C>T (NM_001083885.3); c.883C>T, p.Arg295Cys (NM_001173425.2); short protein forms R295C.
Identifiers: ClinVar variation 4686147 (VCV004686147.2).
Genomic context (GRCh38, chr9:114,466,347, plus strand): 5'-CTTCAGAGCCTGGGTCCACGCCAGTGATGTAAATGCCAAGGCCGTACTCAGCTCCCCCAC[G>A]GATCGTGAGGCCCAGGGACCGGCCGTCCCCCAGCACCAGGTTCACCTGTCAGAGGGAGAG-3'
Protein context (NP_056219.3, residues 285-305): GDGRSLGLTI[Arg295Cys]GGAEYGLGIY